The following is an entry in ClinVar:

NM_017654.4(SAMD9):c.1640C>A (p.Ser547Tyr)

Gene: SAMD9 (sterile alpha motif domain containing 9; minus strand). Cytogenetic location: 7q21.2.
Variant type: single nucleotide variant.
Coding change: c.1640C>A on transcript NM_017654.4 (MANE Select); coding-DNA position 1640, C replaced by A.
Protein change: p.Ser547Tyr; replaces serine 547 with tyrosine.
Molecular consequence: missense variant.
Genome position (GRCh38, 1-based): chr7:93,104,458, G>T on the plus strand (C>A on the coding strand, the complement: SAMD9 is on the minus strand). VCF-style: chr7-93104458-G-T. GRCh37 (hg19) VCF-style: chr7-92733771-G-T.
Other names: c.1640C>A, p.Ser547Tyr (NM_001193307.2); short protein forms S547Y.
Identifiers: ClinVar variation 4863851 (VCV004863851.1).

ClinVar aggregate classification (germline): Uncertain significance (1 of 4 stars; one submission).

Conditions:
Inborn genetic diseases. Identifiers: MedGen C0950123, MeSH D030342.

Submission:

Ambry Genetics
Classification: Uncertain significance for Inborn genetic diseases. Last evaluated: 2026-05-14. Review status: criteria provided, single submitter. Criteria: Ambry Variant Classification Scheme 2023. Collection method: clinical testing. Allele origin: germline.
Comment: The p.S547Y variant (also known as c.1640C>A), located in coding exon 1 of the SAMD9 gene, results from a C to A substitution at nucleotide position 1640. The serine at codon 547 is replaced by tyrosine, an amino acid with dissimilar properties. This amino acid position is conserved. In addition, this alteration is predicted to be tolerated by in silico analysis. Based on the available evidence, the clinical significance of this variant remains unclear.